The following is an entry in ClinVar:

ClinVar aggregate classification (germline): Conflicting classifications of pathogenicity. Review status: criteria provided, conflicting classifications (1 of 4 stars). 7 submissions from 7 submitters: Uncertain significance (1); Benign (2); Likely benign (4). Last evaluated 2025-12-15.

Conditions:
Hereditary nonpolyposis colorectal neoplasms. Identifiers: MedGen C0009405, MeSH D003123.
Hereditary cancer-predisposing syndrome. Also called: Tumor predisposition; Neoplastic Syndromes, Hereditary; Hereditary neoplastic syndrome; Hereditary Cancer Syndrome. Identifiers: Orphanet 140162, MedGen C0027672, MeSH D009386, MONDO:0015356.
Lynch syndrome 5 (LYNCH5). Also called: Colorectal cancer, hereditary nonpolyposis, type 5; Hereditary non-polyposis colorectal cancer, type 5. Identifiers: Orphanet 144, MedGen C1833477, MONDO:0013710, OMIM 614350. Disease mechanism: loss of function.
Lynch syndrome. Identifiers: Orphanet 144, MedGen C4552100, MONDO:0005835. Disease mechanism: loss of function.

Allele frequency attached by ClinVar (database versions not stated): gnomAD exomes below 0.00001 and 0.00001; ExAC 0.00001.
gnomAD v4.1: 12 of 1,614,070 alleles (0.00074%); highest among the groups gnomAD compares: African/African-American, 0.0013%; no homozygotes.

Submissions (7):

Labcorp Genetics (formerly Invitae), Labcorp
Classification: Benign for Hereditary nonpolyposis colorectal neoplasms. Last evaluated: 2025-12-15. Review status: criteria provided, single submitter. Criteria: Invitae Variant Classification Sherloc (09022015). Collection method: clinical testing. Allele origin: germline.

Myriad Genetics, Inc.
Classification: Benign for Lynch syndrome 5. Last evaluated: 2024-12-30. Review status: criteria provided, single submitter. Criteria: Myriad Autosomal Dominant, Autosomal Recessive and X-Linked Classification Criteria (2023). Collection method: clinical testing. Allele origin: unknown.
Comment: This variant is considered benign. This variant is a silent/synonymous amino acid change and it is not expected to impact splicing.

All of Us Research Program, National Institutes of Health
Classification: Likely benign for Lynch syndrome. Last evaluated: 2023-12-13. Review status: criteria provided, single submitter. Criteria: ACMG Guidelines, 2015. Collection method: clinical testing. Allele origin: germline. Inheritance: Autosomal dominant inheritance. Observed: 2 variant alleles, 2 heterozygotes.
Comment: This study involves interpretation of variants in research participants for the purpose of population health screening. Participant phenotype was not available at the time of variant classification. Additional details can be found in publication PMID: 35346344, PMCID: PMC8962531

Color Diagnostics, LLC DBA Color Health
Classification: Likely benign for Hereditary cancer-predisposing syndrome. Last evaluated: 2020-11-24. Review status: criteria provided, single submitter. Criteria: ACMG Guidelines, 2015. Collection method: clinical testing. Allele origin: germline.

Illumina Laboratory Services, Illumina
Classification: Uncertain significance for Lynch syndrome 5. Last evaluated: 2018-01-13. Review status: criteria provided, single submitter. Criteria: ICSL Variant Classification Criteria 13 December 2019. Collection method: clinical testing. Allele origin: germline.

GeneDx
Classification: Likely benign. Last evaluated: 2017-04-10. Review status: criteria provided, single submitter. Criteria: GeneDx Variant Classification (06012015). Collection method: clinical testing. Allele origin: germline. Affected: yes.
Comment: This variant is considered likely benign or benign based on one or more of the following criteria: it is a conservative change, it occurs at a poorly conserved position in the protein, it is predicted to be benign by multiple in silico algorithms, and/or has population frequency not consistent with disease.

Ambry Genetics
Classification: Likely benign for Hereditary cancer-predisposing syndrome. Last evaluated: 2016-04-25. Review status: criteria provided, single submitter. Criteria: Ambry Variant Classification Scheme 2023. Collection method: clinical testing. Allele origin: germline.

NM_000179.3(MSH6):c.2013G>A (p.Leu671=)

Gene: MSH6 (mutS homolog 6; plus strand). Cytogenetic location: 2p16.3.
Variant type: single nucleotide variant.
Coding change: c.2013G>A on transcript NM_000179.3 (MANE Select); coding-DNA position 2013, G replaced by A.
Protein change: p.Leu671=; no amino-acid change (leucine 671 retained).
Molecular consequence: synonymous variant.
Genome position (GRCh38, 1-based): chr2:47,799,996, G>A. VCF-style: chr2-47799996-G-A. GRCh37 (hg19) VCF-style: chr2-48027135-G-A.
Other names: c.1623G>A, p.Leu541= (NM_001281492.2); c.1107G>A, p.Leu369= (NM_001281493.2, NM_001281494.2).
Identifiers: ClinVar variation 416148 (VCV000416148.23), dbSNP rs765289515, ClinGen allele CA068362.